The following is an entry in ClinVar:

ClinVar aggregate classification (germline): Conflicting classifications of pathogenicity. Review status: criteria provided, conflicting classifications (1 of 4 stars). 4 submissions from 4 submitters: Likely pathogenic (1); Uncertain significance (2). 1 of the submissions does not count toward it. Last evaluated 2026-01-05.

Conditions:
Mucopolysaccharidosis, MPS-III-C (MPS3C). Also called: MPS IIIC (Sanfilippo Syndrome Type C); MUCOPOLYSACCHARIDOSIS, TYPE IIIC; Mucopolysaccharidosis type IIIC (Sanfilippo C); mucopolysaccharidosis type 3C; SANFILIPPO SYNDROME C; MPS III C. Identifiers: Orphanet 581, Orphanet 79271, MedGen C0086649, MONDO:0009657, OMIM 252930.
Retinitis pigmentosa (RP). Identifiers: Orphanet 791, MedGen C0035334, MeSH D012174, MONDO:0019200, OMIM 268000. Inheritance: Autosomal dominant, autosomal recessive and X linked inheritance.
Retinitis pigmentosa 73 (RP73). Identifiers: Orphanet 791, MedGen C4225287, MONDO:0014687, OMIM 616544.
HGSNAT-related disorders.

Allele frequency attached by ClinVar (database versions not stated): 1000 Genomes Project 30x 0.00016; gnomAD exomes 0.00001; TOPMed 0.00003; gnomAD 0.00001; ExAC 0.00002; 1000 Genomes Project 0.00020.
gnomAD v4.1: 8 of 1,612,942 alleles (0.0005%); highest among the groups gnomAD compares: South Asian, 0.0033%; no homozygotes.

Submissions (4):

Labcorp Genetics (formerly Invitae), Labcorp
Classification: Uncertain significance for Retinitis pigmentosa 73; Mucopolysaccharidosis, MPS-III-C. Last evaluated: 2026-01-05. Review status: criteria provided, single submitter. Criteria: Invitae Variant Classification Sherloc (09022015). Collection method: clinical testing. Allele origin: germline.
Comment: This sequence change replaces threonine, which is neutral and polar, with methionine, which is neutral and non-polar, at codon 522 of the HGSNAT protein (p.Thr522Met). This variant is present in population databases (rs561701894, gnomAD 0.003%). This missense change has been observed in individual(s) with inherited retinal disease (PMID: 34580245, 34906470; internal data). ClinVar contains an entry for this variant (Variation ID: 964233). Invitae Evidence Modeling of protein sequence and biophysical properties (such as structural, functional, and spatial information, amino acid conservation, physicochemical variation, residue mobility, and thermodynamic stability) has been performed for this missense variant. However, the output from this modeling did not meet the statistical confidence thresholds required to predict the impact of this variant on HGSNAT protein function. In summary, the available evidence is currently insufficient to determine the role of this variant in disease. Therefore, it has been classified as a Variant of Uncertain Significance.

Blueprint Genetics
Classification: Likely pathogenic for HGSNAT-related disorders. Last evaluated: 2023-03-21. Review status: criteria provided, single submitter. Criteria: ACMG Guidelines, 2015. Collection method: clinical testing. Allele origin: germline. Affected: yes. Observed: 5 variant alleles.

Broad Center for Mendelian Genomics, Broad Institute of MIT and Harvard
Classification: Uncertain significance for Retinitis pigmentosa. Last evaluated: 2021-04-01. Review status: criteria provided, single submitter. Criteria: ACMG Guidelines, 2015. Collection method: curation. Allele origin: germline. Inheritance: Autosomal recessive inheritance. Affected: yes.
Comment: Through a review of available evidence we were able to apply the following criteria: PM2, PP3. Based on this evidence we have classified this variant as a Variant of Uncertain Significance. If you have any questions about the classification please reach out to the Pierce Lab.

Natera, Inc.
Classification: Uncertain significance for Mucopolysaccharidosis type IIIC. Last evaluated: 2021-04-09. Review status: no assertion criteria provided. Collection method: clinical testing. Allele origin: germline. Not counted in ClinVar's aggregate classification.

Literature cited by the submitters: PubMed 34580245 (cited by Labcorp Genetics (formerly Invitae), Labcorp); PubMed 34906470 (cited by Labcorp Genetics (formerly Invitae), Labcorp and Broad Center for Mendelian Genomics, Broad Institute of MIT and Harvard).

NM_152419.3(HGSNAT):c.1565C>T (p.Thr522Met)

Gene: HGSNAT (heparan-alpha-glucosaminide N-acetyltransferase; plus strand). Cytogenetic location: 8p11.21.
Variant type: single nucleotide variant.
Coding change: c.1565C>T on transcript NM_152419.3 (MANE Select); coding-DNA position 1565, C replaced by T.
Protein change: p.Thr522Met; replaces threonine 522 with methionine.
Molecular consequence: missense variant.
Genome position (GRCh38, 1-based): chr8:43,197,694, C>T. VCF-style: chr8-43197694-C-T. GRCh37 (hg19) VCF-style: chr8-43052837-C-T.
Other names: c.1652C>T, p.Thr551Met (NM_001363227.2); c.1373C>T, p.Thr458Met (NM_001363228.2); c.701C>T, p.Thr234Met (NM_001363229.2); short protein forms T551M, T458M, T234M, T522M.
Identifiers: ClinVar variation 964233 (VCV000964233.8), dbSNP rs561701894, ClinGen allele CA4736953.